The following is an entry in ClinVar:

ClinVar aggregate classification (germline): Likely benign. Review status: criteria provided, multiple submitters, no conflicts (2 of 4 stars). 2 submissions from 2 submitters: Likely benign (2). Last evaluated 2018-06-19.

Allele frequency attached by ClinVar (database versions not stated): 1000 Genomes Project 0.00919; 1000 Genomes Project 30x 0.00968; ExAC 0.01086; gnomAD exomes 0.02137; TOPMed 0.02229; gnomAD 0.02617.
gnomAD v4.1: 15,775 of 575,146 alleles (2.7%); highest among the groups gnomAD compares: Non-Finnish European, 3.9%; 331 homozygotes.

Submissions (2):

GeneDx
Classification: Likely benign. Last evaluated: 2018-06-19. Review status: criteria provided, single submitter. Criteria: GeneDx Variant Classification (06012015). Collection method: clinical testing. Allele origin: germline. Affected: yes.
Comment: This variant is considered likely benign or benign based on one or more of the following criteria: it is a conservative change, it occurs at a poorly conserved position in the protein, it is predicted to be benign by multiple in silico algorithms, and/or has population frequency not consistent with disease.

Breakthrough Genomics
Classification: Likely benign. Review status: criteria provided, single submitter. Criteria: ACMG Guidelines, 2015. Collection method: not provided. Allele origin: germline. Inheritance: Autosomal dominant inheritance. Affected: yes.

NM_001018005.2(TPM1):c.240+4118C>G

Genes: TPM1 (tropomyosin 1; plus strand), TPM1-AS (TPM1 antisense RNA; minus strand), LOC130057222 (ATAC-STARR-seq lymphoblastoid silent region 6507; plus strand). Cytogenetic location: 15q22.2.
Variant type: single nucleotide variant.
Coding change: c.240+4118C>G on transcript NM_001018005.2 (MANE Select); 4118 bases into the intron after coding-DNA position 240, C replaced by G.
Molecular consequence: intron variant. On other transcripts: non-coding transcript variant (1).
Genome position (GRCh38, 1-based): chr15:63,048,270, C>G. VCF-style: chr15-63048270-C-G. GRCh37 (hg19) VCF-style: chr15-63340469-C-G.
Other names: c.366+4118C>G (NM_001365778.1); c.240+4439C>G (NM_001018020.2, NM_001018007.2, NM_001301244.2); c.240+4118C>G (NM_001018006.2, NM_001365776.1, NM_001018004.2 and 3 more transcripts).
Identifiers: ClinVar variation 669005 (VCV000669005.2), dbSNP rs140483658, ClinGen allele CA028104.